The following is an entry in ClinVar:

ClinVar aggregate classification (germline): Uncertain significance (1 of 4 stars; one submission).

gnomAD v4.1: 1 of 1,614,204 alleles (0.000062%); highest among the groups gnomAD compares: Non-Finnish European, 0.000085%; no homozygotes.

Submission:

GeneDx
Classification: Uncertain significance. Last evaluated: 2025-01-28. Review status: criteria provided, single submitter. Criteria: GeneDx Variant Classification Process June 2021. Collection method: clinical testing. Allele origin: germline. Affected: yes.
Comment: Not observed at significant frequency in large population cohorts (gnomAD); In silico analysis supports that this missense variant has a deleterious effect on protein structure/function; Has not been previously published as pathogenic or benign to our knowledge

NM_004369.4(COL6A3):c.2035G>C (p.Gly679Arg)

Gene: COL6A3 (collagen type VI alpha 3 chain; minus strand). Cytogenetic location: 2q37.3.
Variant type: single nucleotide variant.
Coding change: c.2035G>C on transcript NM_004369.4 (MANE Select); coding-DNA position 2035, G replaced by C.
Protein change: p.Gly679Arg; replaces glycine 679 with arginine.
Molecular consequence: missense variant. On other transcripts: intron variant (1).
Genome position (GRCh38, 1-based): chr2:237,379,098, C>G on the plus strand (G>C on the coding strand, the complement: COL6A3 is on the minus strand). VCF-style: chr2-237379098-C-G. GRCh37 (hg19) VCF-style: chr2-238287741-C-G.
Other names: c.814G>C, p.Gly272Arg (NM_057164.5); c.1417G>C, p.Gly473Arg (NM_057165.5, NM_057167.4); c.677-1754G>C (NM_057166.5); short protein forms G272R, G473R, G679R.
Identifiers: ClinVar variation 4071816 (VCV004071816.1).